The following is an entry in ClinVar:

NM_014000.3(VCL):c.1291A>G (p.Ile431Val)

Gene: VCL (vinculin; plus strand). Cytogenetic location: 10q22.2.
Variant type: single nucleotide variant.
Coding change: c.1291A>G on transcript NM_014000.3 (MANE Select); coding-DNA position 1291, A replaced by G.
Protein change: p.Ile431Val; replaces isoleucine 431 with valine.
Molecular consequence: missense variant.
Genome position (GRCh38, 1-based): chr10:74,090,137, A>G. VCF-style: chr10-74090137-A-G. GRCh37 (hg19) VCF-style: chr10-75849895-A-G.
Other names: c.1291A>G, p.Ile431Val (NM_003373.4); short protein forms I431V.
Identifiers: ClinVar variation 2961243 (VCV002961243.3), dbSNP rs1412929619, ClinGen allele CA377273311.

ClinVar aggregate classification (germline): Uncertain significance. Review status: criteria provided, multiple submitters, no conflicts (2 of 4 stars). 2 submissions from 2 submitters: Uncertain significance (2). Last evaluated 2025-10-25.

Conditions:
Cardiovascular phenotype. Identifiers: MedGen CN230736.
Dilated cardiomyopathy 1W (CMD1W). Identifiers: Orphanet 154, MedGen C1969639, MONDO:0012667, OMIM 611407.

Allele frequency attached by ClinVar (database versions not stated): gnomAD exomes below 0.00001.
gnomAD v4.1: 2 of 1,614,196 alleles (0.00012%); highest among the groups gnomAD compares: Non-Finnish European, 0.00017%; no homozygotes.

Submissions (2):

Ambry Genetics
Classification: Uncertain significance for Cardiovascular phenotype. Last evaluated: 2025-10-25. Review status: criteria provided, single submitter. Criteria: Ambry Variant Classification Scheme 2023. Collection method: clinical testing. Allele origin: germline.
Comment: The p.I431V variant (also known as c.1291A>G), located in coding exon 10 of the VCL gene, results from an A to G substitution at nucleotide position 1291. The isoleucine at codon 431 is replaced by valine, an amino acid with highly similar properties. This amino acid position is conserved. In addition, this alteration is predicted to be tolerated by in silico analysis. Based on the available evidence, the clinical significance of this variant remains unclear.

Labcorp Genetics (formerly Invitae), Labcorp
Classification: Uncertain significance for Dilated cardiomyopathy 1W. Last evaluated: 2023-12-04. Review status: criteria provided, single submitter. Criteria: Invitae Variant Classification Sherloc (09022015). Collection method: clinical testing. Allele origin: germline.
Comment: This sequence change replaces isoleucine, which is neutral and non-polar, with valine, which is neutral and non-polar, at codon 431 of the VCL protein (p.Ile431Val). This variant is present in population databases (no rsID available, gnomAD 0.0009%). This variant has not been reported in the literature in individuals affected with VCL-related conditions. An algorithm developed to predict the effect of missense changes on protein structure and function (PolyPhen-2) suggests that this variant¬¨‚Ä†is likely to be tolerated. In summary, the available evidence is currently insufficient to determine the role of this variant in disease. Therefore, it has been classified as a Variant of Uncertain Significance.